The following is an entry in ClinVar:

ClinVar aggregate classification (germline): Uncertain significance (1 of 4 stars; one submission).

Conditions:
Ataxia-telangiectasia syndrome (AT). Also called: Ataxia-telangiectasia, complementation group D; AT, COMPLEMENTATION GROUP C; ATAXIA-TELANGIECTASIA, COMPLEMENTATION GROUP A; ATAXIA-TELANGIECTASIA, FRESNO VARIANT; Ataxia-telangiectasia; Cerebello-oculocutaneous telangiectasia. Identifiers: Orphanet 100, MedGen C0004135, MONDO:0008840, OMIM 208900.

Submission:

Labcorp Genetics (formerly Invitae), Labcorp
Classification: Uncertain significance for Ataxia-telangiectasia syndrome. Last evaluated: 2020-02-14. Review status: criteria provided, single submitter. Criteria: Invitae Variant Classification Sherloc (09022015). Collection method: clinical testing. Allele origin: germline.
Comment: Algorithms developed to predict the effect of sequence changes on RNA splicing suggest that this variant may disrupt the consensus splice site, but this prediction has not been confirmed by published transcriptional studies. This sequence change falls in intron 17 of the ATM gene. It does not directly change the encoded amino acid sequence of the ATM protein. This variant is not present in population databases (ExAC no frequency). This variant has not been reported in the literature in individuals with ATM-related conditions. In summary, the available evidence is currently insufficient to determine the role of this variant in disease. Therefore, it has been classified as a Variant of Uncertain Significance.

NM_000051.4(ATM):c.2639-7T>G

Gene: ATM (ATM serine/threonine kinase; plus strand). Cytogenetic location: 11q22.3.
Variant type: single nucleotide variant.
Coding change: c.2639-7T>G on transcript NM_000051.4 (MANE Select); 7 bases into the intron before coding-DNA position 2639, T replaced by G.
Molecular consequence: intron variant.
Genome position (GRCh38, 1-based): chr11:108,268,403, T>G. VCF-style: chr11-108268403-T-G. GRCh37 (hg19) VCF-style: chr11-108139130-T-G.
Other names: c.2639-7T>G (NM_001351834.2).
Identifiers: ClinVar variation 1006630 (VCV001006630.9), dbSNP rs912886321, ClinGen allele CA1998783965.